The following is an entry in ClinVar:

NM_002471.4(MYH6):c.7G>A (p.Asp3Asn)

Genes: MYH6 (myosin heavy chain 6; minus strand), LOC114827851 (VISTA enhancer hs2155; plus strand). Cytogenetic location: 14q11.2.
Variant type: single nucleotide variant.
Coding change: c.7G>A on transcript NM_002471.4 (MANE Select); coding-DNA position 7, G replaced by A.
Protein change: p.Asp3Asn; replaces aspartic acid 3 with asparagine.
Molecular consequence: missense variant.
Genome position (GRCh38, 1-based): chr14:23,407,217, C>T on the plus strand (G>A on the coding strand, the complement: MYH6 is on the minus strand). VCF-style: chr14-23407217-C-T. GRCh37 (hg19) VCF-style: chr14-23876426-C-T.
Other names: short protein forms D3N.
Identifiers: ClinVar variation 520321 (VCV000520321.32), dbSNP rs371667049, ClinGen allele CA7116277.

ClinVar aggregate classification (germline): Conflicting classifications of pathogenicity. Review status: criteria provided, conflicting classifications (1 of 4 stars). 10 submissions from 10 submitters: Uncertain significance (9); Likely benign (1). Last evaluated 2026-06-29.

Conditions:
Cardiovascular phenotype. Identifiers: MedGen CN230736.
Hypertrophic cardiomyopathy 14. Identifiers: MedGen C2750467, MONDO:0013197, OMIM 613251.
Atrial septal defect 3 (ASD3). Identifiers: Orphanet 1478, MedGen C3279790, MONDO:0013567, OMIM 614089.
MYH6-related disorder. Also called: MYH6-Related Disorders; MYH6-related condition.
Hypertrophic cardiomyopathy 1 (CMH1). Also called: MYH7-Related Familial Hypertrophic Cardiomyopathy; Familial hypertrophic cardiomyopathy 1. Identifiers: MedGen C3495498, MONDO:0008647, OMIM 192600.
Sick sinus syndrome 3, susceptibility to (SSS3). Identifiers: Orphanet 166282, MedGen C3279791, MONDO:0013568, OMIM 614090.
Dilated cardiomyopathy 1EE (CMD1EE). Identifiers: Orphanet 154, MedGen C2750466, MONDO:0013198, OMIM 613252.

Allele frequency attached by ClinVar (database versions not stated): ExAC 0.00002; gnomAD exomes 0.00004; ESP Exome Variant Server 0.00008; gnomAD 0.00009 and 0.00011; TOPMed 0.00012; 1000 Genomes Project 30x 0.00016; 1000 Genomes Project 0.00020.
gnomAD v4.1: 52 of 1,614,228 alleles (0.0032%); highest among the groups gnomAD compares: African/African-American, 0.04%; no homozygotes.

Submissions (10):

Women's Health and Genetics/Laboratory Corporation of America, LabCorp
Classification: Uncertain significance. Last evaluated: 2026-06-29. Review status: criteria provided, single submitter. Criteria: LabCorp Variant Classification Summary - May 2015. Collection method: clinical testing. Allele origin: germline.
Comment: Variant summary: MYH6 c.7G>A (p.Asp3Asn) results in a conservative amino acid change in the encoded protein sequence. Algorithms developed to predict the effect of missense changes on protein structure and function are either unavailable or do not agree on the potential impact of this missense change. The variant allele was found at a frequency of 3.6e-05 in 251382 control chromosomes. The available data on variant occurrences in the general population are insufficient to allow any conclusion about variant significance. To our knowledge, no occurrence of c.7G>A in individuals affected with MYH6-related conditions and no experimental evidence demonstrating its impact on protein function have been reported. ClinVar contains an entry for this variant (Variation ID: 520321). Based on the evidence outlined above, the variant was classified as uncertain significance.

PreventionGenetics, part of Exact Sciences
Classification: Uncertain significance for MYH6-related condition. Last evaluated: 2026-02-28. Review status: criteria provided, single submitter. Criteria: ACMG Guidelines, 2015. Collection method: clinical testing. Allele origin: germline.
Comment: The MYH6 c.7G>A variant is predicted to result in the amino acid substitution p.Asp3Asn. This variant has been reported as a variant of uncertain significance in a cohort of individuals referred for genetic testing of cardiomyopathy and/or arrhythmia; however, detailed clinical information was not available (Supplement 2, Dellefave-Castillo et al. 2022. PubMed ID: 35947370). This variant has also been reported in the heterozygous state in an individual with hypoplastic left heart syndrome; however, this variant was also identified in unaffected family members (Supplemental Table V, Theis et al. 2021. PubMed ID: 33325730). This variant is reported in 0.020% of alleles in individuals of African descent in gnomAD. At this time, the clinical significance of this variant is uncertain due to the absence of conclusive functional and genetic evidence.

Labcorp Genetics (formerly Invitae), Labcorp
Classification: Uncertain significance for Hypertrophic cardiomyopathy 14. Last evaluated: 2025-12-08. Review status: criteria provided, single submitter. Criteria: Invitae Variant Classification Sherloc (09022015). Collection method: clinical testing. Allele origin: germline.
Comment: This sequence change replaces aspartic acid, which is acidic and polar, with asparagine, which is neutral and polar, at codon 3 of the MYH6 protein (p.Asp3Asn). This variant is present in population databases (rs371667049, gnomAD 0.02%). This variant has not been reported in the literature in individuals affected with MYH6-related conditions. ClinVar contains an entry for this variant (Variation ID: 520321). An algorithm developed to predict the effect of missense changes on protein structure and function (PolyPhen-2) suggests that this variant is likely to be disruptive. In summary, the available evidence is currently insufficient to determine the role of this variant in disease. Therefore, it has been classified as a Variant of Uncertain Significance.

Ambry Genetics
Classification: Uncertain significance for Cardiovascular phenotype. Last evaluated: 2025-07-30. Review status: criteria provided, single submitter. Criteria: Ambry Variant Classification Scheme 2023. Collection method: clinical testing. Allele origin: germline.
Comment: The p.D3N variant (also known as c.7G>A), located in coding exon 1 of the MYH6 gene, results from a G to A substitution at nucleotide position 7. The aspartic acid at codon 3 is replaced by asparagine, an amino acid with highly similar properties. This alteration has been reported in a pediatric cardiomyopathy cohort (Ware SM et al. Am J Hum Genet, 2022 Feb;109:282-298). This amino acid position is highly conserved in available vertebrate species. In addition, this alteration is predicted to be tolerated by in silico analysis. Since supporting evidence is limited at this time, the clinical significance of this alteration remains unclear.

CeGaT Center for Human Genetics Tuebingen
Classification: Uncertain significance. Last evaluated: 2025-07-01. Review status: criteria provided, single submitter. Criteria: CeGaT Center For Human Genetics Tuebingen Variant Classification Criteria Version 2. Collection method: clinical testing. Allele origin: germline. Affected: yes. Observed: 1 variant allele.
Comment: MYH6: PM2:Supporting, BP5

Blueprint Genetics
Classification: Likely benign. Last evaluated: 2024-08-22. Review status: criteria provided, single submitter. Criteria: ACMG Guidelines, 2015. Collection method: clinical testing. Allele origin: germline.

Genomic Medicine Center of Excellence, King Faisal Specialist Hospital and Research Centre
Classification: Uncertain significance for Atrial septal defect 3. Last evaluated: 2024-03-29. Review status: criteria provided, single submitter. Criteria: ACMG Guidelines, 2015. Collection method: clinical testing. Allele origin: germline.

GeneDx
Classification: Uncertain significance. Last evaluated: 2023-12-01. Review status: criteria provided, single submitter. Criteria: GeneDx Variant Classification Process June 2021. Collection method: clinical testing. Allele origin: germline. Affected: yes.
Comment: Has not been previously published as pathogenic or benign to our knowledge; In silico analysis supports that this missense variant has a deleterious effect on protein structure/function

ARUP Laboratories, Molecular Genetics and Genomics, ARUP Laboratories
Classification: Uncertain significance. Last evaluated: 2023-01-03. Review status: criteria provided, single submitter. Criteria: ARUP Molecular Germline Variant Investigation Process 2024. Collection method: clinical testing. Allele origin: germline.
Comment: The MYH6 c.7G>A; p.Asp3Asn variant (rs371667049), to our knowledge, is not reported in the medical literature but is reported in ClinVar (Variation ID: 520321). This variant is found in the general population with an overall allele frequency of 0.0035% (10/282786 alleles) in the Genome Aggregation Database. The aspartate at codon 3 is moderately conserved and computational analyses are uncertain whether this variant is neutral or deleterious (REVEL: 0.438). Due to limited information, the clinical significance of this variant is uncertain at this time.

Fulgent Genetics
Classification: Uncertain significance for Hypertrophic cardiomyopathy 1; Hypertrophic cardiomyopathy 14; Dilated cardiomyopathy 1EE; Atrial septal defect 3; Sick sinus syndrome 3, susceptibility to. Last evaluated: 2021-08-31. Review status: criteria provided, single submitter. Criteria: ACMG Guidelines, 2015. Collection method: clinical testing. Allele origin: unknown.

Literature cited by the submitters: PubMed 35026164 (cited by Ambry Genetics).